The following is an entry in ClinVar:

NM_000237.3(LPL):c.890T>C (p.Phe297Ser)

Gene: LPL (lipoprotein lipase; plus strand). Cytogenetic location: 8p21.3.
Variant type: single nucleotide variant.
Coding change: c.890T>C on transcript NM_000237.3 (MANE Select); coding-DNA position 890, T replaced by C.
Protein change: p.Phe297Ser; replaces phenylalanine 297 with serine.
Molecular consequence: missense variant.
Genome position (GRCh38, 1-based): chr8:19,955,955, T>C. VCF-style: chr8-19955955-T-C. GRCh37 (hg19) VCF-style: chr8-19813466-T-C.
Other names: short protein forms F297S.
Identifiers: ClinVar variation 4745304 (VCV004745304.1).
Genomic context (GRCh38, chr8:19,955,955, plus strand): 5'-ACTCTCTGTTGAATGAAGAAAATCCAAGTAAGGCCTACAGGTGCAGTTCCAAGGAAGCCT[T>C]TGAGAAAGGGCTCTGCTTGAGTTGTAGAAAGAACCGCTGCAACAATCTGGGCTATGAGAT-3'
Protein context (NP_000228.1, residues 287-307): KAYRCSSKEA[Phe297Ser]EKGLCLSCRK

ClinVar aggregate classification (germline): Uncertain significance (1 of 4 stars; one submission).

gnomAD v4.1: 1 of 1,614,110 alleles (0.000062%); highest among the groups gnomAD compares: Non-Finnish European, 0.000085%; no homozygotes.

Submission:

Labcorp Genetics (formerly Invitae), Labcorp
Classification: Uncertain significance. Last evaluated: 2025-12-21. Review status: criteria provided, single submitter. Criteria: Invitae Variant Classification Sherloc (09022015). Collection method: clinical testing. Allele origin: germline.
Comment: This sequence change replaces phenylalanine, which is neutral and non-polar, with serine, which is neutral and polar, at codon 297 of the LPL protein (p.Phe297Ser). This variant is not present in population databases (gnomAD no frequency). This variant has not been reported in the literature in individuals affected with LPL-related conditions. Invitae Evidence Modeling of protein sequence and biophysical properties (such as structural, functional, and spatial information, amino acid conservation, physicochemical variation, residue mobility, and thermodynamic stability) indicates that this missense variant is expected to disrupt LPL protein function with a positive predictive value of 80%. In summary, the available evidence is currently insufficient to determine the role of this variant in disease. Therefore, it has been classified as a Variant of Uncertain Significance.